The following is an entry in ClinVar:

ClinVar aggregate classification (germline): Pathogenic (1 of 4 stars; one submission).

Conditions:
Duchenne muscular dystrophy (DMD). Also called: Duchenne Muscular Dystrophy (DMD); MUSCULAR DYSTROPHY, PSEUDOHYPERTROPHIC PROGRESSIVE, DUCHENNE TYPE. Identifiers: Orphanet 98896, MedGen C0013264, MONDO:0010679, OMIM 310200.

Submission:

Labcorp Genetics (formerly Invitae), Labcorp
Classification: Pathogenic for Duchenne muscular dystrophy. Last evaluated: 2022-08-12. Review status: criteria provided, single submitter. Criteria: Invitae Variant Classification Sherloc (09022015). Collection method: clinical testing. Allele origin: germline.
Comment: This variant is a gross deletion of the genomic region encompassing exon(s) 45-57 of the DMD gene. This variant would be expected to be in-frame, preserving the integrity of the reading frame. A similar copy number variant has been observed in individual(s) with Duchenne muscular dystrophy (PMID: 19937601; Invitae). For these reasons, this variant has been classified as Pathogenic.

Literature cited by the submitters: PubMed 19937601.

NC_000023.10:g.(?_31514885)_(31986651_?)del

Gene: DMD (dystrophin; minus strand). Cytogenetic location: Xp21.1.
Variant type: Deletion.
Identifiers: ClinVar variation 2424837 (VCV002424837.4).